The following is an entry in ClinVar:

NM_000230.3(LEP):c.215T>C (p.Leu72Ser)

Gene: LEP (leptin; plus strand). Cytogenetic location: 7q32.1.
Variant type: single nucleotide variant.
Coding change: c.215T>C on transcript NM_000230.3 (MANE Select); coding-DNA position 215, T replaced by C.
Protein change: p.Leu72Ser; replaces leucine 72 with serine.
Molecular consequence: missense variant.
Genome position (GRCh38, 1-based): chr7:128,254,474, T>C. VCF-style: chr7-128254474-T-C. GRCh37 (hg19) VCF-style: chr7-127894527-T-C.
Other names: short protein forms L72S.
Identifiers: ClinVar variation 3346502 (VCV003346502.1).

ClinVar aggregate classification (germline): Uncertain significance (0 of 4 stars; one submission).

Conditions:
LEP-related disorder. Also called: LEP-related condition.

Submission:

PreventionGenetics, part of Exact Sciences
Classification: Uncertain significance for LEP-related condition. Last evaluated: 2024-06-12. Review status: no assertion criteria provided. Collection method: clinical testing. Allele origin: germline.
Comment: The LEP c.215T>C variant is predicted to result in the amino acid substitution p.Leu72Ser. This variant was reported in the homozygous state in a patient with obesity and undetectable leptin serum levels (Fischer-Posovszky. 2010. PubMed ID: 20382689; von Schnurbein. 2013. PubMed ID: 23651953). This variant has not been reported in a large population database, indicating this variant is rare. Although we suspect that this variant may be pathogenic, at this time, the clinical significance of this variant is uncertain due to the absence of conclusive functional and genetic evidence.